The following is an entry in ClinVar:

ClinVar aggregate classification (germline): Conflicting classifications of pathogenicity. Review status: criteria provided, conflicting classifications (1 of 4 stars). 13 submissions from 13 submitters: Uncertain significance (12); Likely benign (1). Last evaluated 2026-09-18.

Conditions:
VCL-related disorder. Also called: VCL-related condition.
Cardiovascular phenotype. Identifiers: MedGen CN230736.
Dilated cardiomyopathy 1W (CMD1W). Identifiers: Orphanet 154, MedGen C1969639, MONDO:0012667, OMIM 611407.
Hypertrophic cardiomyopathy 15. Identifiers: MedGen C2750459, MONDO:0013200, OMIM 613255.
Cardiomyopathy (CMYO). Also called: Cardiomyopathies. Identifiers: Orphanet 167848, MedGen C0878544, MONDO:0004994, HP:0001638. Inheritance: Various modes of inheritance.

Allele frequency attached by ClinVar (database versions not stated): TOPMed 0.00016; gnomAD 0.00017 and 0.00019; gnomAD exomes 0.00030 and 0.00031; ESP Exome Variant Server 0.00031; ExAC 0.00041.
gnomAD v4.1: 471 of 1,613,554 alleles (0.029%); highest among the groups gnomAD compares: Non-Finnish European, 0.037%; no homozygotes.

Submissions (13):

PreventionGenetics, part of Exact Sciences
Classification: Uncertain significance for VCL-related condition. Last evaluated: 2026-09-18. Review status: criteria provided, single submitter. Criteria: ACMG Guidelines, 2015. Collection method: clinical testing. Allele origin: germline.
Comment: The VCL c.2969C>T variant is predicted to result in the amino acid substitution p.Ala990Val. This variant has been reported in individuals with dilated cardiomyopathy (DCM) or hypertrophic cardiomyopathy (HCM) (Table S1 in Pugh et al. 2014. PubMed ID: 24503780; Lenarduzzi et al. 2023. PubMed ID: 36788754; van Lint et al. 2019. PubMed ID: 30847666), as well as in a family with two siblings affected by anthracycline-associated cardiomyopathy, one with mild dilated cardiomyopathy, and another who experienced sudden cardiac death (family Ic in Wasielewski et al. 2014. PubMed ID: 25332820). It has also been reported in a family with left ventricular noncompaction and DCM in the presence of an additional variant in a different gene; in this family, the VCL variant did not segregate with disease in several affected members (Fernlund et al. 2020. PubMed ID: 33302605). This variant is reported at a frequency of approximately 0.06% in individuals of European (non-Finnish) descent in gnomAD and is classified in ClinVar as a variant of uncertain significance (ClinVar ID: 45603). Although we suspect that this variant may be benign, at this time, the clinical significance of this variant is uncertain due to the absence of conclusive functional and genetic evidence.

GeneDx
Classification: Uncertain significance. Last evaluated: 2025-06-24. Review status: criteria provided, single submitter. Criteria: GeneDx Variant Classification Process June 2021. Collection method: clinical testing. Allele origin: germline. Affected: yes.
Comment: Reported in association with cardiomyopathy; however, several patients also harbor additional potentially disaese-causing cardiogenetic variants and this variant did not segregate with disease in several affected members of one family (PMID: 24503780, 25332820, 30847666, 31737537, 33302605, 36788754); Identified in a cohort of stillbirth cases (PMID: 30615648); In silico analysis supports that this missense variant has a deleterious effect on protein structure/function; This variant is associated with the following publications: (PMID: 33302605, 31737537, 30847666, 25332820, 24503780, 36788754, 30615648)

Women's Health and Genetics/Laboratory Corporation of America, LabCorp
Classification: Uncertain significance. Last evaluated: 2024-10-28. Review status: criteria provided, single submitter. Criteria: LabCorp Variant Classification Summary - May 2015. Collection method: clinical testing. Allele origin: germline.
Comment: Variant summary: VCL c.2969C>T (p.Ala990Val) results in a non-conservative amino acid change in the encoded protein sequence. Three of five in-silico tools predict a benign effect of the variant on protein function. The variant allele was found at a frequency of 0.0003 in 251016 control chromosomes. The observed variant frequency is approximately 12 fold of the estimated maximal expected allele frequency for a pathogenic variant in VCL causing Cardiomyopathy phenotype (2.5e-05). c.2969C>T has been reported in the literature in individuals affected with Cardiomyopathy (Pugh_2014, Wasielewski_2014, vanLint_2019). These report(s) do not provide unequivocal conclusions about association of the variant with Cardiomyopathy. Co-occurrences with other pathogenic variant(s) have been reported (Pugh_2014, TTN c.39078C>A, p.Tyr13026X), providing supporting evidence for a benign role. To our knowledge, no experimental evidence demonstrating an impact on protein function has been reported. The following publications have been ascertained in the context of this evaluation (PMID: 24503780, 25332820, 30847666). ClinVar contains an entry for this variant (Variation ID: 45603). Based on the evidence outlined above, the variant was classified as uncertain significance.

Blueprint Genetics
Classification: Likely benign. Last evaluated: 2024-08-28. Review status: criteria provided, single submitter. Criteria: ACMG Guidelines, 2015. Collection method: clinical testing. Allele origin: germline.

Ambry Genetics
Classification: Uncertain significance for Cardiovascular phenotype. Last evaluated: 2024-07-22. Review status: criteria provided, single submitter. Criteria: Ambry Variant Classification Scheme 2023. Collection method: clinical testing. Allele origin: germline.

Mayo Clinic Laboratories, Mayo Clinic
Classification: Uncertain significance. Last evaluated: 2024-06-21. Review status: criteria provided, single submitter. Criteria: ACMG Guidelines, 2015. Collection method: clinical testing. Allele origin: germline. Observed: 1 variant allele.
Comment: BS1

Labcorp Genetics (formerly Invitae), Labcorp
Classification: Uncertain significance for Dilated cardiomyopathy 1W. Last evaluated: 2024-01-31. Review status: criteria provided, single submitter. Criteria: Invitae Variant Classification Sherloc (09022015). Collection method: clinical testing. Allele origin: germline.
Comment: This sequence change replaces alanine, which is neutral and non-polar, with valine, which is neutral and non-polar, at codon 990 of the VCL protein (p.Ala990Val). This variant is present in population databases (rs150595117, gnomAD 0.06%), and has an allele count higher than expected for a pathogenic variant. This missense change has been observed in individual(s) with clinical features of VCL-related conditions (PMID: 24503780, 25332820, 30847666, 31737537). ClinVar contains an entry for this variant (Variation ID: 45603). An algorithm developed to predict the effect of missense changes on protein structure and function (PolyPhen-2) suggests that this variant is likely to be disruptive. In summary, the available evidence is currently insufficient to determine the role of this variant in disease. Therefore, it has been classified as a Variant of Uncertain Significance.

Victorian Clinical Genetics Services, Murdoch Childrens Research Institute
Classification: Uncertain significance for Dilated cardiomyopathy 1W. Last evaluated: 2022-02-02. Review status: criteria provided, single submitter. Criteria: ACMG Guidelines, 2015. Collection method: clinical testing. Allele origin: germline. Inheritance: Autosomal dominant inheritance.
Comment: Based on the classification scheme VCGS_Germline_v1.3.4, this variant is classified as VUS-3B. Following criteria are met: 0105 - The mechanism of disease for this gene is not clearly established. However, null variants have been reported in patients and therefore loss-of-function is speculated (PMID: 32516855). (I) 0107 - This gene is associated with autosomal dominant disease. (I) 0112 - The condition associated with this gene has incomplete penetrance. Asymptomatic carriers have been reported in families with null variants (PMID: 32516855). (I) 0200 - Variant is predicted to result in a missense amino acid change from alanine to alaine. (I) 0251 - This variant is heterozygous. (I) 0302 - Variant is present in gnomAD (v2) <0.001 for a dominant condition (82 heterozygotes, 0 homozygotes). (SP) 0502 - Missense variant with conflicting in silico predictions and uninformative conservation. (I) 0600 - Variant is located in the annotated C-terminal tail region (UniProt). (I) 0705 - No comparable missense variants have previous evidence for pathogenicity. (I) 0809 - Previous evidence of pathogenicity for this variant is inconclusive. This variant has been classified multiple times as a VUS (ClinVar; PMIDs: 25332820, 24503780, 30847666, 33302605). (I) 1007 - No published functional evidence has been identified for this variant. (I) 1208 - Inheritance information for this variant is not currently available in this individual. (I) Legend: (SP) - Supporting pathogenic, (I) - Information, (SB) - Supporting benign

CHEO Genetics Diagnostic Laboratory, Children's Hospital of Eastern Ontario
Classification: Uncertain significance for Cardiomyopathy. Last evaluated: 2020-05-14. Review status: criteria provided, single submitter. Criteria: ACMG Guidelines, 2015. Collection method: clinical testing. Allele origin: germline.

Illumina Laboratory Services, Illumina
Classification: Uncertain significance for Dilated cardiomyopathy 1W. Last evaluated: 2018-01-13. Review status: criteria provided, single submitter. Criteria: ICSL Variant Classification Criteria 13 December 2019. Collection method: clinical testing. Allele origin: germline.

Stanford Center for Inherited Cardiovascular Disease, Stanford University
Classification: Uncertain significance. Last evaluated: 2017-06-26. Review status: criteria provided, single submitter. Criteria: ACMG Guidelines, 2015. Collection method: provider interpretation. Allele origin: germline.

Fulgent Genetics
Classification: Uncertain significance for Dilated cardiomyopathy 1W; Hypertrophic cardiomyopathy 15. Last evaluated: 2017-05-23. Review status: criteria provided, single submitter. Criteria: ACMG Guidelines, 2015. Collection method: clinical testing. Allele origin: unknown.

Laboratory for Molecular Medicine, Mass General Brigham Personalized Medicine
Classification: Uncertain significance. Last evaluated: 2012-07-30. Review status: criteria provided, single submitter. Criteria: LMM Criteria. Collection method: clinical testing. Allele origin: germline. Observed: 2 variant alleles.
Comment: The Ala990Val variant in VCL has been identified in 4/8600 European American chr omosomes from a broad population by the NHLBI Exome Sequencing Project (dbSNP rs150595117). Computational analyses (biochemica l amino acid properties, conservation, AlignGVGD, PolyPhen2, and SIFT) do not pr ovide strong support for or against an impact to the protein. Additional informa tion is needed to fully assess the clinical significance of this variant.

Literature cited by the submitters: PubMed 24503780 (cited by 3 submitters); PubMed 25332820 (cited by 3 submitters); PubMed 30847666 (cited by 4 submitters); PubMed 31737537 (cited by Mayo Clinic Laboratories, Mayo Clinic and Labcorp Genetics (formerly Invitae), Labcorp); PubMed 36788754 (cited by Mayo Clinic Laboratories, Mayo Clinic); PubMed 32516855 (cited by Victorian Clinical Genetics Services, Murdoch Childrens Research Institute); PubMed 33302605 (cited by Victorian Clinical Genetics Services, Murdoch Childrens Research Institute).

NM_014000.3(VCL):c.2969C>T (p.Ala990Val)

Gene: VCL (vinculin; plus strand). Cytogenetic location: 10q22.2.
Variant type: single nucleotide variant.
Coding change: c.2969C>T on transcript NM_014000.3 (MANE Select); coding-DNA position 2969, C replaced by T.
Protein change: p.Ala990Val; replaces alanine 990 with valine.
Molecular consequence: missense variant.
Genome position (GRCh38, 1-based): chr10:74,114,203, C>T. VCF-style: chr10-74114203-C-T. GRCh37 (hg19) VCF-style: chr10-75873961-C-T.
Other names: p.A990V:GCA>GTA; c.2765C>T, p.Ala922Val (NM_003373.4); short protein forms A990V, A922V.
Identifiers: ClinVar variation 45603 (VCV000045603.29), dbSNP rs150595117, ClinGen allele CA136764.
Genomic context (GRCh38, chr10:74,114,203, plus strand): 5'-AGCGTGGGCAGAGCTCACACTGTATCTTTGCTTCCCTCTAGGGCAATGACATCATTGCAG[C>T]AGCCAAGCGCATGGCTCTGCTGATGGCTGAGATGTCTCGGCTGGTAAGAGGGGGCAGTGG-3'
Protein context (NP_054706.1, residues 980-1000): WSSKGNDIIA[Ala990Val]AKRMALLMAE